The following is an entry in ClinVar:

NM_001035.3(RYR2):c.11748C>G (p.Val3916=)

Gene: RYR2 (ryanodine receptor 2; plus strand). Cytogenetic location: 1q43.
Variant type: single nucleotide variant.
Coding change: c.11748C>G on transcript NM_001035.3 (MANE Select); coding-DNA position 11748, C replaced by G.
Protein change: p.Val3916=; no amino-acid change (valine 3916 retained).
Molecular consequence: synonymous variant.
Genome position (GRCh38, 1-based): chr1:237,773,621, C>G. VCF-style: chr1-237773621-C-G. GRCh37 (hg19) VCF-style: chr1-237936921-C-G.
Other names: c.11748C>G, p.Val3916= (LRG_402t1).
Identifiers: ClinVar variation 511864 (VCV000511864.2), dbSNP rs1553318294, ClinGen allele CA423823327.

ClinVar aggregate classification (germline): Likely benign. Review status: criteria provided, multiple submitters, no conflicts (2 of 4 stars). 2 submissions from 2 submitters: Likely benign (2). Last evaluated 2025-05-03.

Conditions:
Cardiovascular phenotype. Identifiers: MedGen CN230736.

Allele frequency attached by ClinVar (database versions not stated): TOPMed below 0.00001.

Submissions (2):

Ambry Genetics
Classification: Likely benign for Cardiovascular phenotype. Last evaluated: 2025-05-03. Review status: criteria provided, single submitter. Criteria: Ambry Variant Classification Scheme 2023. Collection method: clinical testing. Allele origin: germline.

GeneDx
Classification: Likely benign. Last evaluated: 2017-09-05. Review status: criteria provided, single submitter. Criteria: GeneDx Variant Classification (06012015). Collection method: clinical testing. Allele origin: germline. Affected: yes.
Comment: This variant is considered likely benign or benign based on one or more of the following criteria: it is a conservative change, it occurs at a poorly conserved position in the protein, it is predicted to be benign by multiple in silico algorithms, and/or has population frequency not consistent with disease.